The following is an entry in ClinVar:

NM_001203.3(BMPR1B):c.247-9C>T

Gene: BMPR1B (bone morphogenetic protein receptor type 1B; plus strand). Cytogenetic location: 4q22.3.
Variant type: single nucleotide variant.
Coding change: c.247-9C>T on transcript NM_001203.3 (MANE Select); 9 bases into the intron before coding-DNA position 247, C replaced by T.
Molecular consequence: intron variant.
Genome position (GRCh38, 1-based): chr4:95,115,676, C>T. VCF-style: chr4-95115676-C-T. GRCh37 (hg19) VCF-style: chr4-96036827-C-T.
Other names: c.247-9C>T (NM_001256792.2, NM_001256794.1); c.337-9C>T (NM_001256793.2).
Identifiers: ClinVar variation 350115 (VCV000350115.15), dbSNP rs199892209, ClinGen allele CA3014917.

ClinVar aggregate classification (germline): Benign/Likely benign. Review status: criteria provided, multiple submitters, no conflicts (2 of 4 stars). 2 submissions from 2 submitters: Benign (1); Likely benign (1). Last evaluated 2025-12-29.

Conditions:
Brachydactyly. Also called: Brachydactyly syndrome; Brachydactyly (disease). Identifiers: MedGen C0221357, MONDO:0021004, HP:0001156.
Acromesomelic dysplasia 3 (AMD3). Also called: CHONDRODYSPLASIA, ACROMESOMELIC, WITH OR WITHOUT GENITAL ANOMALIES; Acromesomelic dysplasia, Demirhan type. Identifiers: MedGen C4225404, MONDO:0012274, OMIM 609441.
Type A2 brachydactyly (BDA2). Also called: BRACHYMESOPHALANGY II; MOHR-WRIEDT TYPE BRACHYDACTYLY; Brachymesophalangy type 2. Identifiers: Orphanet 93396, MedGen C1832702, MONDO:0007216, OMIM 112600, HP:0009372.

Allele frequency attached by ClinVar (database versions not stated): ESP Exome Variant Server 0.00023; gnomAD exomes 0.00027 and 0.00061; 1000 Genomes Project 0.00040; 1000 Genomes Project 30x 0.00047; gnomAD 0.00047 and 0.00048; ExAC 0.00049; TOPMed 0.00065.
gnomAD v4.1: 518 of 1,608,152 alleles (0.032%); highest among the groups gnomAD compares: Admixed American, 0.052%; 4 homozygotes.

Submissions (2):

Labcorp Genetics (formerly Invitae), Labcorp
Classification: Likely benign for Type A2 brachydactyly; Acromesomelic dysplasia 3. Last evaluated: 2025-12-29. Review status: criteria provided, single submitter. Criteria: Invitae Variant Classification Sherloc (09022015). Collection method: clinical testing. Allele origin: germline.

Illumina Laboratory Services, Illumina
Classification: Benign for Brachydactyly. Last evaluated: 2018-01-13. Review status: criteria provided, single submitter. Criteria: ICSL Variant Classification Criteria 13 December 2019. Collection method: clinical testing. Allele origin: germline.
Comment: This variant was observed in the ICSL laboratory as part of a predisposition screen in an ostensibly healthy population. It had not been previously curated by ICSL or reported in the Human Gene Mutation Database (HGMD: prior to June 1st, 2018), and was therefore a candidate for classification through an automated scoring system. Utilizing variant allele frequency, disease prevalence and penetrance estimates, and inheritance mode, an automated score was calculated to assess if this variant is too frequent to cause the disease. Based on the score and internal cut-off values, a variant classified as benign is not then subjected to further curation. The score for this variant resulted in a classification of benign for this disease.